The following is an entry in ClinVar:

NM_175737.4(KLB):c.2047G>C (p.Asp683His)

Gene: KLB (klotho beta; plus strand). Cytogenetic location: 4p14.
Variant type: single nucleotide variant.
Coding change: c.2047G>C on transcript NM_175737.4 (MANE Select); coding-DNA position 2047, G replaced by C.
Protein change: p.Asp683His; replaces aspartic acid 683 with histidine.
Molecular consequence: missense variant.
Genome position (GRCh38, 1-based): chr4:39,446,773, G>C. VCF-style: chr4-39446773-G-C. GRCh37 (hg19) VCF-style: chr4-39448393-G-C.
Other names: short protein forms D683H.
Identifiers: ClinVar variation 3723950 (VCV003723950.2).

ClinVar aggregate classification (germline): Uncertain significance (1 of 4 stars; one submission).

gnomAD v4.1: 3 of 1,609,018 alleles (0.00019%); highest among the groups gnomAD compares: Non-Finnish European, 0.000085%; no homozygotes.

Submission:

Labcorp Genetics (formerly Invitae), Labcorp
Classification: Uncertain significance. Last evaluated: 2024-10-30. Review status: criteria provided, single submitter. Criteria: Invitae Variant Classification Sherloc (09022015). Collection method: clinical testing. Allele origin: germline.
Comment: This sequence change replaces aspartic acid, which is acidic and polar, with histidine, which is basic and polar, at codon 683 of the KLB protein (p.Asp683His). This variant is present in population databases (rs764406039, gnomAD 0.004%). This variant has not been reported in the literature in individuals affected with KLB-related conditions. An algorithm developed to predict the effect of missense changes on protein structure and function (PolyPhen-2) suggests that this variant is likely to be disruptive. In summary, the available evidence is currently insufficient to determine the role of this variant in disease. Therefore, it has been classified as a Variant of Uncertain Significance.